The following is an entry in ClinVar:

NM_139343.3(BIN1):c.1607C>T (p.Thr536Ile)

Gene: BIN1 (bridging integrator 1; minus strand). Cytogenetic location: 2q14.3.
Variant type: single nucleotide variant.
Coding change: c.1607C>T on transcript NM_139343.3 (MANE Select); coding-DNA position 1607, C replaced by T.
Protein change: p.Thr536Ile; replaces threonine 536 with isoleucine.
Molecular consequence: missense variant.
Genome position (GRCh38, 1-based): chr2:127,050,488, G>A on the plus strand (C>T on the coding strand, the complement: BIN1 is on the minus strand). VCF-style: chr2-127050488-G-A. GRCh37 (hg19) VCF-style: chr2-127808064-G-A.
Other names: c.1100C>T, p.Thr367Ile (NM_001320632.2); c.1238C>T, p.Thr413Ile (NM_001320633.2); c.983C>T, p.Thr328Ile (NM_001320634.1); c.1367C>T, p.Thr456Ile (NM_001320640.2); c.1145C>T, p.Thr382Ile (NM_139350.3); c.1055C>T, p.Thr352Ile (NM_139351.3); c.1514C>T, p.Thr505Ile (NM_001320641.2); c.1526C>T, p.Thr509Ile (NM_001320642.1); and 7 more; short protein forms T367I, T449I, T461I, T493I, T328I, T413I, T418I, T440I.
Identifiers: ClinVar variation 1407708 (VCV001407708.6), dbSNP rs773732601, ClinGen allele CA55336949.
Genomic context (GRCh38, chr2:127,050,488, plus strand): 5'-TCAGGGTTCTGGAAGGGGATCACCAGCACCACATCACCAGCCTTGAGCTGCAGCTCGTCT[G>A]TGTCAGTGGCCGTGTAGTCGTGCTGGGCCTGTACCTGCAGAGGATGCGGATCGCAAGTCA-3'
Protein context (NP_647593.1, residues 526-546): QAQHDYTATD[Thr536Ile]DELQLKAGDV

ClinVar aggregate classification (germline): Uncertain significance (1 of 4 stars; one submission).

Conditions:
Myopathy, centronuclear, 2 (CNM2). Also called: MYOTUBULAR MYOPATHY, AUTOSOMAL RECESSIVE. Identifiers: Orphanet 169186, MedGen CN031787, MONDO:0009709, OMIM 255200.

gnomAD v4.1: 10 of 1,614,128 alleles (0.00062%); highest among the groups gnomAD compares: African/African-American, 0.0027%; no homozygotes.

Submission:

Labcorp Genetics (formerly Invitae), Labcorp
Classification: Uncertain significance for Myopathy, centronuclear, 2. Last evaluated: 2025-10-19. Review status: criteria provided, single submitter. Criteria: Invitae Variant Classification Sherloc (09022015). Collection method: clinical testing. Allele origin: germline.
Comment: This sequence change replaces threonine, which is neutral and polar, with isoleucine, which is neutral and non-polar, at codon 536 of the BIN1 protein (p.Thr536Ile). This variant is not present in population databases (gnomAD no frequency). This variant has not been reported in the literature in individuals affected with BIN1-related conditions. ClinVar contains an entry for this variant (Variation ID: 1407708). Invitae Evidence Modeling of protein sequence and biophysical properties (such as structural, functional, and spatial information, amino acid conservation, physicochemical variation, residue mobility, and thermodynamic stability) has been performed for this missense variant. However, the output from this modeling did not meet the statistical confidence thresholds required to predict the impact of this variant on BIN1 protein function. In summary, the available evidence is currently insufficient to determine the role of this variant in disease. Therefore, it has been classified as a Variant of Uncertain Significance.